The following is an entry in ClinVar:

NM_001875.5(CPS1):c.3002G>A (p.Arg1001His)

Gene: CPS1 (carbamoyl-phosphate synthase 1; plus strand). Cytogenetic location: 2q34.
Variant type: single nucleotide variant.
Coding change: c.3002G>A on transcript NM_001875.5 (MANE Select); coding-DNA position 3002, G replaced by A.
Protein change: p.Arg1001His; replaces arginine 1001 with histidine.
Molecular consequence: missense variant. On other transcripts: non-coding transcript variant (2).
Genome position (GRCh38, 1-based): chr2:210,642,526, G>A. VCF-style: chr2-210642526-G-A. GRCh37 (hg19) VCF-style: chr2-211507250-G-A.
Other names: c.3002G>A, p.Arg1001His (NM_001122633.3, NM_001369257.1); c.3035G>A, p.Arg1012His (NM_001369256.1); short protein forms R1001H, R1012H.
Identifiers: ClinVar variation 4279032 (VCV004279032.3).

ClinVar aggregate classification (germline): Conflicting classifications of pathogenicity. Review status: criteria provided, conflicting classifications (1 of 4 stars). 3 submissions from 3 submitters: Likely pathogenic (1); Uncertain significance (2). Last evaluated 2025-08-18.

Conditions:
Congenital hyperammonemia, type I. Also called: CPS I DEFICIENCY; Carbamoyl phosphate synthetase 1 deficiency; Hyperammonemia due to carbamoyl phosphate synthetase 1 deficiency; CPS 1 deficiency; Carbamyl phosphate synthetase (CPS) deficiency; Carbamoyl-phosphate synthase I deficiency. Identifiers: Orphanet 147, MedGen C4082171, MONDO:0009376, OMIM 237300.
CPS1-related disorder. Also called: CPS1-related condition.

gnomAD v4.1: 6 of 1,613,802 alleles (0.00037%); highest among the groups gnomAD compares: Non-Finnish European, 0.00051%; no homozygotes.

Submissions (3):

Institute of Human Genetics, University of Leipzig Medical Center
Classification: Likely pathogenic for Congenital hyperammonemia, type I. Last evaluated: 2025-08-18. Review status: criteria provided, single submitter. Criteria: ACMG Guidelines, 2015. Collection method: clinical testing. Allele origin: unknown. Inheritance: Autosomal recessive inheritance. Affected: yes.
Comment: Criteria applied: PM1,PM2,PM3_SUP,PP3

PreventionGenetics, part of Exact Sciences
Classification: Uncertain significance for CPS1-related condition. Last evaluated: 2025-06-11. Review status: criteria provided, single submitter. Criteria: ACMG Guidelines, 2015. Collection method: clinical testing. Allele origin: germline.
Comment: The CPS1 c.3002G>A variant is predicted to result in the amino acid substitution p.Arg1001His. To our knowledge, this variant has not been reported in the literature or in a large population database (gnomAD), indicating this variant is rare. At this time, the clinical significance of this variant is uncertain due to the absence of conclusive functional and genetic evidence.

GeneDx
Classification: Uncertain significance. Last evaluated: 2025-06-10. Review status: criteria provided, single submitter. Criteria: GeneDx Variant Classification Process June 2021. Collection method: clinical testing. Allele origin: germline. Affected: yes.
Comment: Not observed at significant frequency in large population cohorts (gnomAD); In silico analysis supports that this missense variant has a deleterious effect on protein structure/function; Has not been previously published as pathogenic or benign to our knowledge